The following is an entry in ClinVar:

NM_015450.3(POT1):c.9+4_9+6del

Gene: POT1 (protection of telomeres 1; minus strand). Cytogenetic location: 7q31.33.
Variant type: Deletion.
Coding change: c.9+4_9+6del on transcript NM_015450.3 (MANE Select); bases 4 to 6 of the intron after coding-DNA position 9, 3 bases deleted (AGA; older notation c.9+4_9+6delAGA).
Molecular consequence: intron variant.
Genome position (GRCh38, 1-based): chr7:124,897,159-124,897,161, TCT deleted on the plus strand (AGA on the coding strand, the reverse complement: POT1 is on the minus strand); deleting any 3 consecutive bases within chr7:124,897,159-124,897,162 gives the same sequence; the c. name uses the placement nearest the transcript's 3' end. VCF-style (leftmost placement, unchanged base first): chr7-124897158-ATCT-A. GRCh37 (hg19) VCF-style: chr7-124537212-ATCT-A.
Other names: c.9+4_9+6del (NM_015450.2); c.-254+4_-254+6del (NM_001042594.2).
Identifiers: ClinVar variation 568641 (VCV000568641.16), dbSNP rs1442340607, ClinGen allele CA577285984.

ClinVar aggregate classification (germline): Uncertain significance. Review status: criteria provided, multiple submitters, no conflicts (2 of 4 stars). 3 submissions from 3 submitters: Uncertain significance (3). Last evaluated 2025-10-06.

Conditions:
Tumor predisposition syndrome 3 (TPDS3). Also called: Melanoma, cutaneous malignant, susceptibility to, 10; LONG TELOMERE SYNDROME, POT1-RELATED; POT1 Tumor Predisposition; Glioma susceptibility 9. Identifiers: Orphanet 618, MedGen C4014476, MONDO:0014368, OMIM 615848.
Hereditary cancer-predisposing syndrome. Also called: Tumor predisposition; Neoplastic Syndromes, Hereditary; Hereditary neoplastic syndrome; Hereditary Cancer Syndrome. Identifiers: Orphanet 140162, MedGen C0027672, MeSH D009386, MONDO:0015356.

Submissions (3):

Labcorp Genetics (formerly Invitae), Labcorp
Classification: Uncertain significance for Tumor predisposition syndrome 3. Last evaluated: 2025-10-06. Review status: criteria provided, single submitter. Criteria: Invitae Variant Classification Sherloc (09022015). Collection method: clinical testing. Allele origin: germline.
Comment: This sequence change falls in intron 5 of the POT1 gene. It does not directly change the encoded amino acid sequence of the POT1 protein. It affects a nucleotide within the consensus splice site. This variant is present in population databases (no rsID available, gnomAD 0.002%). This variant has not been reported in the literature in individuals affected with POT1-related conditions. ClinVar contains an entry for this variant (Variation ID: 568641). Variants that disrupt the consensus splice site are a relatively common cause of aberrant splicing (PMID: 17576681, 9536098). Studies have shown that this variant is associated with inconclusive levels of altered splicing (internal data). In summary, the available evidence is currently insufficient to determine the role of this variant in disease. Therefore, it has been classified as a Variant of Uncertain Significance.

Ambry Genetics
Classification: Uncertain significance for Hereditary cancer-predisposing syndrome. Last evaluated: 2024-05-23. Review status: criteria provided, single submitter. Criteria: Ambry Variant Classification Scheme 2023. Collection method: clinical testing. Allele origin: germline.
Comment: The c.9+4_9+6delAGA intronic variant, located in intron 1 of the POT1 gene, results from a deletion of 3 nucleotides within intron 1 of the POT1 gene. This nucleotide region is well conserved in available vertebrate species. In silico splice site analysis predicts that this alteration will weaken the native splice donor site; however, direct evidence is insufficient at this time (Ambry internal data). Based on the available evidence, the clinical significance of this variant remains unclear.

GeneDx
Classification: Uncertain significance. Last evaluated: 2022-07-07. Review status: criteria provided, single submitter. Criteria: GeneDx Variant Classification Process June 2021. Collection method: clinical testing. Allele origin: germline. Affected: yes.
Comment: Not observed at significant frequency in large population cohorts (gnomAD); In silico analysis supports a deleterious effect on splicing; Has not been previously published as pathogenic or benign to our knowledge

Literature cited by the submitters: PubMed 17576681 (cited by Labcorp Genetics (formerly Invitae), Labcorp); PubMed 9536098 (cited by Labcorp Genetics (formerly Invitae), Labcorp).